The following is an entry in ClinVar:

ClinVar aggregate classification (germline): Uncertain significance. Review status: criteria provided, single submitter (1 of 4 stars). 2 submissions from 2 submitters: Uncertain significance (1). 1 of the submissions does not count toward it. Last evaluated 2022-05-21.

Conditions:
PLXNA2-related disorder. Also called: PLXNA2-related condition.

Allele frequency attached by ClinVar (database versions not stated): gnomAD exomes 0.00002; TOPMed 0.00031; gnomAD 0.00022; ESP Exome Variant Server 0.00038; ExAC 0.00009.
gnomAD v4.1: 63 of 1,613,230 alleles (0.0039%); highest among the groups gnomAD compares: African/African-American, 0.083%; no homozygotes.

Submissions (2):

Labcorp Genetics (formerly Invitae), Labcorp
Classification: Uncertain significance. Last evaluated: 2022-05-21. Review status: criteria provided, single submitter. Criteria: Invitae Variant Classification Sherloc (09022015). Collection method: clinical testing. Allele origin: germline.
Comment: Algorithms developed to predict the effect of missense changes on protein structure and function are either unavailable or do not agree on the potential impact of this missense change (SIFT: "Tolerated"; PolyPhen-2: "Probably Damaging"; Align-GVGD: "Class C0"). In summary, the available evidence is currently insufficient to determine the role of this variant in disease. Therefore, it has been classified as a Variant of Uncertain Significance. This variant has not been reported in the literature in individuals affected with PLXNA2-related conditions. This variant is present in population databases (rs139968784, gnomAD 0.1%), and has an allele count higher than expected for a pathogenic variant. This sequence change replaces threonine, which is neutral and polar, with alanine, which is neutral and non-polar, at codon 1499 of the PLXNA2 protein (p.Thr1499Ala).

PreventionGenetics, part of Exact Sciences
Classification: Uncertain significance for PLXNA2-related condition. Last evaluated: 2024-08-28. Review status: no assertion criteria provided. Collection method: clinical testing. Allele origin: germline. Not counted in ClinVar's aggregate classification.
Comment: The PLXNA2 c.4495A>G variant is predicted to result in the amino acid substitution p.Thr1499Ala. To our knowledge, this variant has not been reported in the literature. This variant is reported in 0.10% of alleles in individuals of African descent in gnomAD, which is likely too common for an undocumented cause of disease. Although we suspect this variant may be benign, at this time, the clinical significance is uncertain due to the absence of conclusive functional and genetic evidence.

NM_025179.4(PLXNA2):c.4495A>G (p.Thr1499Ala)

Gene: PLXNA2 (plexin A2; minus strand). Cytogenetic location: 1q32.2.
Variant type: single nucleotide variant.
Coding change: c.4495A>G on transcript NM_025179.4 (MANE Select); coding-DNA position 4495, A replaced by G.
Protein change: p.Thr1499Ala; replaces threonine 1499 with alanine.
Molecular consequence: missense variant.
Genome position (GRCh38, 1-based): chr1:208,039,626, T>C on the plus strand (A>G on the coding strand, the complement: PLXNA2 is on the minus strand). VCF-style: chr1-208039626-T-C. GRCh37 (hg19) VCF-style: chr1-208212971-T-C.
Other names: c.4495A>G (NM_025179.3); short protein forms T1499A.
Identifiers: ClinVar variation 2079130 (VCV002079130.7), dbSNP rs139968784, ClinGen allele CA1372873.